The following is an entry in ClinVar:

ClinVar aggregate classification (germline): Benign (1 of 4 stars; one submission).

Conditions:
Hyperekplexia 2 (HKPX2). Identifiers: Orphanet 3197, MedGen C3553291, MONDO:0013828, OMIM 614619.

Allele frequency attached by ClinVar (database versions not stated): gnomAD 0.00001 and 0.00007; TOPMed 0.00001; 1000 Genomes Project 30x 0.00047; 1000 Genomes Project 0.00060.

Submission:

Illumina Laboratory Services, Illumina
Classification: Benign for Hyperekplexia 2. Last evaluated: 2018-01-13. Review status: criteria provided, single submitter. Criteria: ICSL Variant Classification Criteria 13 December 2019. Collection method: clinical testing. Allele origin: germline.
Comment: This variant was observed in the ICSL laboratory as part of a predisposition screen in an ostensibly healthy population. It had not been previously curated by ICSL or reported in the Human Gene Mutation Database (HGMD: prior to June 1st, 2018), and was therefore a candidate for classification through an automated scoring system. Utilizing variant allele frequency, disease prevalence and penetrance estimates, and inheritance mode, an automated score was calculated to assess if this variant is too frequent to cause the disease. Based on the score and internal cut-off values, a variant classified as benign is not then subjected to further curation. The score for this variant resulted in a classification of benign for this disease.

NM_000824.5(GLRB):c.*1345A>G

Gene: GLRB (glycine receptor beta; plus strand). Cytogenetic location: 4q32.1.
Variant type: single nucleotide variant.
Coding change: c.*1345A>G on transcript NM_000824.5 (MANE Select); 1345 bases downstream of the stop codon, A replaced by G.
Molecular consequence: 3 prime UTR variant.
Genome position (GRCh38, 1-based): chr4:157,172,073, A>G. VCF-style: chr4-157172073-A-G. GRCh37 (hg19) VCF-style: chr4-158093225-A-G.
Other names: c.*1345A>G (NM_001166060.2); c.*1634A>G (NM_001166061.2).
Identifiers: ClinVar variation 347950 (VCV000347950.5), dbSNP rs183788407, ClinGen allele CA10620381.